The following is an entry in ClinVar:

NM_000939.4(POMC):c.284G>A (p.Ser95Asn)

Gene: POMC (proopiomelanocortin; minus strand). Cytogenetic location: 2p23.3.
Variant type: single nucleotide variant.
Coding change: c.284G>A on transcript NM_000939.4 (MANE Select); coding-DNA position 284, G replaced by A.
Protein change: p.Ser95Asn; replaces serine 95 with asparagine.
Molecular consequence: missense variant.
Genome position (GRCh38, 1-based): chr2:25,161,601, C>T on the plus strand (G>A on the coding strand, the complement: POMC is on the minus strand). VCF-style: chr2-25161601-C-T. GRCh37 (hg19) VCF-style: chr2-25384470-C-T.
Other names: c.284G>A, p.Ser95Asn (NM_001035256.3, NM_001319204.2, NM_001319205.2); short protein forms S95N.
Identifiers: ClinVar variation 2635937 (VCV002635937.2), dbSNP rs531289142, ClinGen allele CA1555336.

ClinVar aggregate classification (germline): Uncertain significance (1 of 4 stars; one submission).

Conditions:
POMC-related disorder. Also called: POMC-related condition; POMC-related disorders.

Allele frequency attached by ClinVar (database versions not stated): TOPMed 0.00002; gnomAD 0.00003; gnomAD exomes 0.00004; 1000 Genomes Project 30x 0.00016; 1000 Genomes Project 0.00020.
gnomAD v4.1: 62 of 1,555,616 alleles (0.004%); highest among the groups gnomAD compares: African/African-American, 0.0068%; no homozygotes.

Submission:

PreventionGenetics, part of Exact Sciences
Classification: Uncertain significance for POMC-related condition. Last evaluated: 2026-07-21. Review status: criteria provided, single submitter. Criteria: ACMG Guidelines, 2015. Collection method: clinical testing. Allele origin: germline.
Comment: The POMC c.284G>A variant is predicted to result in the amino acid substitution p.Ser95Asn. This variant was observed in a cohort of individuals with obesity, and in vitro functional studies showed this variant did not reduce protein function and could cause increased function (Supplemental Data Set 3, Shah et al. 2023. PubMed ID: 36864747). This variant is reported in 0.0035% of alleles in individuals of European (non-Finnish) descent in gnomAD. At this time, the clinical significance of this variant is uncertain due to the absence of conclusive functional and genetic evidence.